The following is an entry in ClinVar:

ClinVar aggregate classification (germline): Uncertain significance (1 of 4 stars; one submission).

Conditions:
Epilepsy. Also called: Seizure disorder. Identifiers: MedGen C0014544, MeSH D004827, MONDO:0005027.

gnomAD v4.1: 17 of 1,613,600 alleles (0.0011%); highest among the groups gnomAD compares: Admixed American, 0.0067%; no homozygotes.

Submission:

Labcorp Genetics (formerly Invitae), Labcorp
Classification: Uncertain significance for Epilepsy. Last evaluated: 2023-12-16. Review status: criteria provided, single submitter. Criteria: Invitae Variant Classification Sherloc (09022015). Collection method: clinical testing. Allele origin: germline.
Comment: This sequence change affects codon 389 of the PIGQ mRNA. It is a 'silent' change, meaning that it does not change the encoded amino acid sequence of the PIGQ protein. This variant is present in population databases (no rsID available, gnomAD 0.005%). This variant has not been reported in the literature in individuals affected with PIGQ-related conditions. ClinVar contains an entry for this variant (Variation ID: 1060964). Algorithms developed to predict the effect of sequence changes on RNA splicing suggest that this variant may create or strengthen a splice site. In summary, the available evidence is currently insufficient to determine the role of this variant in disease. Therefore, it has been classified as a Variant of Uncertain Significance.

NM_004204.5(PIGQ):c.1167G>A (p.Ser389=)

Gene: PIGQ (phosphatidylinositol glycan anchor biosynthesis class Q; plus strand). Cytogenetic location: 16p13.3.
Variant type: single nucleotide variant.
Coding change: c.1167G>A on transcript NM_004204.5 (MANE Select); coding-DNA position 1167, G replaced by A.
Protein change: p.Ser389=; no amino-acid change (serine 389 retained).
Molecular consequence: synonymous variant.
Genome position (GRCh38, 1-based): chr16:578,882, G>A. VCF-style: chr16-578882-G-A. GRCh37 (hg19) VCF-style: chr16-628882-G-A.
Other names: c.1167G>A, p.Ser389= (NM_148920.4).
Identifiers: ClinVar variation 1060964 (VCV001060964.8), dbSNP rs576698468, ClinGen allele CA276485958.